The following is an entry in ClinVar:

NM_001080467.3(MYO5B):c.3193T>A (p.Ser1065Thr)

Gene: MYO5B (myosin VB; minus strand). Cytogenetic location: 18q21.1.
Variant type: single nucleotide variant.
Coding change: c.3193T>A on transcript NM_001080467.3 (MANE Select); coding-DNA position 3193, T replaced by A.
Protein change: p.Ser1065Thr; replaces serine 1065 with threonine.
Molecular consequence: missense variant.
Genome position (GRCh38, 1-based): chr18:49,879,028, A>T on the plus strand (T>A on the coding strand, the complement: MYO5B is on the minus strand). VCF-style: chr18-49879028-A-T. GRCh37 (hg19) VCF-style: chr18-47405398-A-T.
Other names: short protein forms S1065T.
Identifiers: ClinVar variation 1348375 (VCV001348375.5), dbSNP rs760646336, ClinGen allele CA8960803.

ClinVar aggregate classification (germline): Uncertain significance (1 of 4 stars; one submission).

Allele frequency attached by ClinVar (database versions not stated): gnomAD 0.00001; gnomAD exomes 0.00002; ExAC 0.00002; TOPMed 0.00002.
gnomAD v4.1: 108 of 1,607,180 alleles (0.0067%); highest among the groups gnomAD compares: Non-Finnish European, 0.0088%; no homozygotes.

Submission:

Labcorp Genetics (formerly Invitae), Labcorp
Classification: Uncertain significance. Last evaluated: 2021-08-28. Review status: criteria provided, single submitter. Criteria: Invitae Variant Classification Sherloc (09022015). Collection method: clinical testing. Allele origin: germline.
Comment: This sequence change replaces serine with threonine at codon 1065 of the MYO5B protein (p.Ser1065Thr). The serine residue is highly conserved and there is a small physicochemical difference between serine and threonine. This variant is present in population databases (rs760646336, ExAC 0.004%). This variant has not been reported in the literature in individuals affected with MYO5B-related conditions. Algorithms developed to predict the effect of missense changes on protein structure and function output the following: SIFT: "Tolerated"; PolyPhen-2: "Benign"; Align-GVGD: "Class C0". The threonine amino acid residue is found in multiple mammalian species, which suggests that this missense change does not adversely affect protein function. In summary, the available evidence is currently insufficient to determine the role of this variant in disease. Therefore, it has been classified as a Variant of Uncertain Significance.